The following is an entry in ClinVar:

NM_001089.3(ABCA3):c.3283C>T (p.Arg1095Trp)

Gene: ABCA3 (ATP binding cassette subfamily A member 3; minus strand). Cytogenetic location: 16p13.3.
Variant type: single nucleotide variant.
Coding change: c.3283C>T on transcript NM_001089.3 (MANE Select); coding-DNA position 3283, C replaced by T.
Protein change: p.Arg1095Trp; replaces arginine 1095 with tryptophan.
Molecular consequence: missense variant.
Genome position (GRCh38, 1-based): chr16:2,285,642, G>A on the plus strand (C>T on the coding strand, the complement: ABCA3 is on the minus strand). VCF-style: chr16-2285642-G-A. GRCh37 (hg19) VCF-style: chr16-2335643-G-A.
Other names: short protein forms R1095W.
Identifiers: ClinVar variation 1729769 (VCV001729769.3), dbSNP rs905738935, ClinGen allele CA276822694.

ClinVar aggregate classification (germline): Uncertain significance (1 of 4 stars; one submission).

Conditions:
Hereditary pulmonary alveolar proteinosis. Also called: Pulmonary surfactant metabolism dysfunction. Identifiers: Orphanet 264675, MedGen C3711368, MONDO:0012580.

Allele frequency attached by ClinVar (database versions not stated): gnomAD 0.00005; TOPMed 0.00005.
gnomAD v4.1: 153 of 1,551,852 alleles (0.0099%); highest among the groups gnomAD compares: Non-Finnish European, 0.013%; no homozygotes.

Submission:

Ambry Genetics
Classification: Uncertain significance for Hereditary pulmonary alveolar proteinosis. Last evaluated: 2024-12-28. Review status: criteria provided, single submitter. Criteria: Ambry Variant Classification Scheme 2023. Collection method: clinical testing. Allele origin: germline.
Comment: The p.R1095W variant (also known as c.3283C>T), located in coding exon 20 of the ABCA3 gene, results from a C to T substitution at nucleotide position 3283. The arginine at codon 1095 is replaced by tryptophan, an amino acid with dissimilar properties. This amino acid position is conserved. In addition, the in silico prediction for this alteration is inconclusive. Since supporting evidence is limited at this time, the clinical significance of this alteration remains unclear.